The following is an entry in ClinVar:

ClinVar aggregate classification (germline): Uncertain significance (1 of 4 stars; one submission).

Conditions:
Trichorhinophalangeal dysplasia type I (TRPS1). Also called: TRICHORHINOPHALANGEAL SYNDROME, TYPE I; TRPS I. Identifiers: Orphanet 77258, MedGen C0432233, MONDO:0008596, OMIM 190350.
Trichorhinophalangeal syndrome, type III (TRPS3). Also called: SUGIO-KAJII SYNDROME. Identifiers: Orphanet 77258, MedGen C1860823, OMIM 190351, MONDO:0008597.

Allele frequency attached by ClinVar (database versions not stated): ExAC 0.00001.
gnomAD v4.1: 2 of 1,613,820 alleles (0.00012%); highest among the groups gnomAD compares: East Asian, 0.0022%; no homozygotes.

Submission:

Labcorp Genetics (formerly Invitae), Labcorp
Classification: Uncertain significance for Trichorhinophalangeal syndrome, type III; Trichorhinophalangeal dysplasia type I. Last evaluated: 2023-05-23. Review status: criteria provided, single submitter. Criteria: Invitae Variant Classification Sherloc (09022015). Collection method: clinical testing. Allele origin: germline.
Comment: Advanced modeling of protein sequence and biophysical properties (such as structural, functional, and spatial information, amino acid conservation, physicochemical variation, residue mobility, and thermodynamic stability) performed at Invitae indicates that this missense variant is expected to disrupt TRPS1 protein function. In summary, the available evidence is currently insufficient to determine the role of this variant in disease. Therefore, it has been classified as a Variant of Uncertain Significance. This sequence change replaces glycine, which is neutral and non-polar, with alanine, which is neutral and non-polar, at codon 1278 of the TRPS1 protein (p.Gly1278Ala). This variant is present in population databases (rs778331175, gnomAD 0.01%). This variant has not been reported in the literature in individuals affected with TRPS1-related conditions.

NM_014112.5(TRPS1):c.3833G>C (p.Gly1278Ala)

Gene: TRPS1 (transcriptional repressor GATA binding 1; minus strand). Cytogenetic location: 8q23.3.
Variant type: single nucleotide variant.
Coding change: c.3833G>C on transcript NM_014112.5 (MANE Select); coding-DNA position 3833, G replaced by C.
Protein change: p.Gly1278Ala; replaces glycine 1278 with alanine.
Molecular consequence: missense variant.
Genome position (GRCh38, 1-based): chr8:115,414,075, C>G on the plus strand (G>C on the coding strand, the complement: TRPS1 is on the minus strand). VCF-style: chr8-115414075-C-G. GRCh37 (hg19) VCF-style: chr8-116426303-C-G.
Other names: c.3806G>C, p.Gly1269Ala (NM_001282902.3); c.3812G>C, p.Gly1271Ala (NM_001282903.3); c.3794G>C, p.Gly1265Ala (NM_001330599.2); short protein forms G1278A, G1271A, G1265A, G1269A.
Identifiers: ClinVar variation 2939276 (VCV002939276.3), dbSNP rs778331175, ClinGen allele CA4851440.